The following is an entry in ClinVar:

NM_002381.5(MATN3):c.604C>T (p.Gln202Ter)

Gene: MATN3 (matrilin 3; minus strand). Cytogenetic location: 2p24.1.
Variant type: single nucleotide variant.
Coding change: c.604C>T on transcript NM_002381.5 (MANE Select); coding-DNA position 604, C replaced by T.
Protein change: p.Gln202Ter; replaces glutamine 202 with a stop codon.
Molecular consequence: nonsense.
Genome position (GRCh38, 1-based): chr2:20,005,930, G>A on the plus strand (C>T on the coding strand, the complement: MATN3 is on the minus strand). VCF-style: chr2-20005930-G-A. GRCh37 (hg19) VCF-style: chr2-20205691-G-A.
Other names: short protein forms Q202*.
Identifiers: ClinVar variation 4850646 (VCV004850646.1).
Genomic context (GRCh38, chr2:20,005,930, plus strand): 5'-CGCCCACAGCATAGAGCTCAATACCAGATGCTTGGGCCCGAGCCGCCACCTCATTCACCT[G>A]GTCCTGGGGCCTCCCATCTGTAACAATGATGGCCACCTTAGGGATGTTAGAAGAGGGCTC-3'

ClinVar aggregate classification (germline): Likely pathogenic (1 of 4 stars; one submission).

Conditions:
Spondyloepimetaphyseal dysplasia, matrilin-3 type (SEMDBCD). Also called: SEMD, MATN3-RELATED; Spondyloepimetaphyseal dysplasia, MATN3-related. Identifiers: Orphanet 156728, MedGen C1837481, MONDO:0012108, OMIM 608728.

Submission:

First Genomix Gene Laboratory, Genetic Diagnostics Department
Classification: Likely pathogenic for Spondyloepimetaphyseal dysplasia, matrilin-3 type. Last evaluated: 2025-07-29. Review status: criteria provided, single submitter. Criteria: ACMG Guidelines, 2015. Collection method: clinical testing. Allele origin: germline. Inheritance: Autosomal recessive inheritance. Affected: no. Observed: 1 variant allele.